The following is an entry in ClinVar:

ClinVar aggregate classification (germline): Likely benign (0 of 4 stars; one submission).

Conditions:
CPE-related disorder. Also called: CPE-related condition.

gnomAD v4.1: 16 of 1,613,706 alleles (0.00099%); highest among the groups gnomAD compares: African/African-American, 0.019%; no homozygotes.

Submission:

PreventionGenetics, part of Exact Sciences
Classification: Likely benign for CPE-related condition. Last evaluated: 2022-11-21. Review status: no assertion criteria provided. Collection method: clinical testing. Allele origin: germline.
Comment: This variant is classified as likely benign based on ACMG/AMP sequence variant interpretation guidelines (Richards et al. 2015 PMID: 25741868, with internal and published modifications).

NM_001873.4(CPE):c.753C>T (p.Asp251=)

Gene: CPE (carboxypeptidase E; plus strand). Cytogenetic location: 4q32.3.
Variant type: single nucleotide variant.
Coding change: c.753C>T on transcript NM_001873.4 (MANE Select); coding-DNA position 753, C replaced by T.
Protein change: p.Asp251=; no amino-acid change (aspartic acid 251 retained).
Molecular consequence: synonymous variant.
Genome position (GRCh38, 1-based): chr4:165,482,322, C>T. VCF-style: chr4-165482322-C-T. GRCh37 (hg19) VCF-style: chr4-166403474-C-T.
Identifiers: ClinVar variation 3352972 (VCV003352972.1).